The following is an entry in ClinVar:

NM_058216.3(RAD51C):c.939A>G (p.Leu313=)

Gene: RAD51C (RAD51 paralog C; plus strand). Cytogenetic location: 17q22.
Variant type: single nucleotide variant.
Coding change: c.939A>G on transcript NM_058216.3 (MANE Select); coding-DNA position 939, A replaced by G.
Protein change: p.Leu313=; no amino-acid change (leucine 313 retained).
Molecular consequence: synonymous variant. On other transcripts: non-coding transcript variant (1).
Genome position (GRCh38, 1-based): chr17:58,724,074, A>G. VCF-style: chr17-58724074-A-G. GRCh37 (hg19) VCF-style: chr17-56801435-A-G.
Identifiers: ClinVar variation 185133 (VCV000185133.17), dbSNP rs786201953, ClinGen allele CA191120.

ClinVar aggregate classification (germline): Benign/Likely benign. Review status: criteria provided, multiple submitters, no conflicts (2 of 4 stars). 4 submissions from 4 submitters: Benign (1); Likely benign (3). Last evaluated 2026-01-02.

Conditions:
Hereditary cancer-predisposing syndrome. Also called: Tumor predisposition; Hereditary Cancer Syndrome; Hereditary neoplastic syndrome; Neoplastic Syndromes, Hereditary. Identifiers: Orphanet 140162, MedGen C0027672, MeSH D009386, MONDO:0015356.
Breast-ovarian cancer, familial, susceptibility to, 3. Also called: RAD51C-Related Breast/Ovarian Cancer. Identifiers: Orphanet 145, MedGen C3150659, MONDO:0013253, OMIM 613399.
Fanconi anemia complementation group O. Also called: RAD51C-Related Fanconi Anemia. Identifiers: Orphanet 84, MedGen C3150653, MONDO:0013248, OMIM 613390.

Allele frequency attached by ClinVar (database versions not stated): gnomAD exomes below 0.00001.
gnomAD v4.1: 2 of 1,613,378 alleles (0.00012%); highest among the groups gnomAD compares: Non-Finnish European, 0.00017%; no homozygotes.

Submissions (4):

Labcorp Genetics (formerly Invitae), Labcorp
Classification: Likely benign for Fanconi anemia complementation group O. Last evaluated: 2026-01-02. Review status: criteria provided, single submitter. Criteria: Invitae Variant Classification Sherloc (09022015). Collection method: clinical testing. Allele origin: germline.

Myriad Genetics, Inc.
Classification: Benign for Breast-ovarian cancer, familial, susceptibility to, 3. Last evaluated: 2025-02-19. Review status: criteria provided, single submitter. Criteria: Myriad Autosomal Dominant, Autosomal Recessive and X-Linked Classification Criteria (2023). Collection method: clinical testing. Allele origin: unknown.
Comment: This variant is considered benign. This variant is a silent/synonymous amino acid change and it is not expected to impact splicing.

Quest Diagnostics Nichols Institute San Juan Capistrano
Classification: Likely benign. Last evaluated: 2018-03-29. Review status: criteria provided, single submitter. Criteria: Quest Diagnostics criteria. Collection method: clinical testing. Allele origin: germline.

Ambry Genetics
Classification: Likely benign for Hereditary cancer-predisposing syndrome. Last evaluated: 2015-09-04. Review status: criteria provided, single submitter. Criteria: Ambry Variant Classification Scheme 2023. Collection method: clinical testing. Allele origin: germline.